The following is an entry in ClinVar:

NM_014806.5(RUSC2):c.1567C>A (p.Arg523Ser)

Gene: RUSC2 (RUN and SH3 domain containing 2; plus strand). Cytogenetic location: 9p13.3.
Variant type: single nucleotide variant.
Coding change: c.1567C>A on transcript NM_014806.5 (MANE Select); coding-DNA position 1567, C replaced by A.
Protein change: p.Arg523Ser; replaces arginine 523 with serine.
Molecular consequence: missense variant. On other transcripts: non-coding transcript variant (1), intron variant (1).
Genome position (GRCh38, 1-based): chr9:35,548,088, C>A. VCF-style: chr9-35548088-C-A. GRCh37 (hg19) VCF-style: chr9-35548085-C-A.
Other names: c.1567C>A, p.Arg523Ser (NM_001135999.2); c.-620-6972C>A (NM_001330740.2); short protein forms R523S.
Identifiers: ClinVar variation 2100275 (VCV002100275.4), dbSNP rs763673201, ClinGen allele CA373334142.

ClinVar aggregate classification (germline): Uncertain significance (1 of 4 stars; one submission).

gnomAD v4.1: 1 of 1,613,184 alleles (0.000062%); highest among the groups gnomAD compares: Admixed American, 0.0017%; no homozygotes.

Submission:

Labcorp Genetics (formerly Invitae), Labcorp
Classification: Uncertain significance. Last evaluated: 2022-03-11. Review status: criteria provided, single submitter. Criteria: Invitae Variant Classification Sherloc (09022015). Collection method: clinical testing. Allele origin: germline.
Comment: In summary, the available evidence is currently insufficient to determine the role of this variant in disease. Therefore, it has been classified as a Variant of Uncertain Significance. Algorithms developed to predict the effect of missense changes on protein structure and function (SIFT, PolyPhen-2, Align-GVGD) all suggest that this variant is likely to be disruptive. This variant has not been reported in the literature in individuals affected with RUSC2-related conditions. This variant is present in population databases (no rsID available, gnomAD 0.003%). This sequence change replaces arginine, which is basic and polar, with serine, which is neutral and polar, at codon 523 of the RUSC2 protein (p.Arg523Ser).